The following is an entry in ClinVar:

NM_000051.4(ATM):c.1760G>A (p.Gly587Asp)

Gene: ATM (ATM serine/threonine kinase; plus strand). Cytogenetic location: 11q22.3.
Variant type: single nucleotide variant.
Coding change: c.1760G>A on transcript NM_000051.4 (MANE Select); coding-DNA position 1760, G replaced by A.
Protein change: p.Gly587Asp; replaces glycine 587 with aspartic acid.
Molecular consequence: missense variant.
Genome position (GRCh38, 1-based): chr11:108,251,989, G>A. VCF-style: chr11-108251989-G-A. GRCh37 (hg19) VCF-style: chr11-108122716-G-A.
Other names: c.1760G>A, p.Gly587Asp (NM_001351834.2); short protein forms G587D.
Identifiers: ClinVar variation 407484 (VCV000407484.11), dbSNP rs1060501553, ClinGen allele CA16613009.

ClinVar aggregate classification (germline): Conflicting classifications of pathogenicity. Review status: criteria provided, conflicting classifications (1 of 4 stars). 2 submissions from 2 submitters: Uncertain significance (1); Likely benign (1). Last evaluated 2025-01-06.

Conditions:
Hereditary cancer-predisposing syndrome. Also called: Hereditary neoplastic syndrome; Neoplastic Syndromes, Hereditary; Tumor predisposition; Hereditary Cancer Syndrome. Identifiers: Orphanet 140162, MedGen C0027672, MeSH D009386, MONDO:0015356.
Ataxia-telangiectasia syndrome (AT). Also called: Ataxia telangiectasia (A-T); LOUIS-BAR SYNDROME; Cerebello-oculocutaneous telangiectasia; Immunodeficiency with ataxia telangiectasia; Ataxia-telangiectasia, complementation group D; AT, COMPLEMENTATION GROUP C. Identifiers: Orphanet 100, MedGen C0004135, MONDO:0008840, OMIM 208900.

gnomAD v4.1: 1 of 1,613,390 alleles (0.000062%); highest among the groups gnomAD compares: Admixed American, 0.0017%; no homozygotes.

Submissions (2):

Ambry Genetics
Classification: Likely benign for Hereditary cancer-predisposing syndrome. Last evaluated: 2025-01-06. Review status: criteria provided, single submitter. Criteria: Ambry Variant Classification Scheme 2023. Collection method: clinical testing. Allele origin: germline.

Labcorp Genetics (formerly Invitae), Labcorp
Classification: Uncertain significance for Ataxia-telangiectasia syndrome. Last evaluated: 2022-01-12. Review status: criteria provided, single submitter. Criteria: Invitae Variant Classification Sherloc (09022015). Collection method: clinical testing. Allele origin: germline.
Comment: In summary, the available evidence is currently insufficient to determine the role of this variant in disease. Therefore, it has been classified as a Variant of Uncertain Significance. Advanced modeling of protein sequence and biophysical properties (such as structural, functional, and spatial information, amino acid conservation, physicochemical variation, residue mobility, and thermodynamic stability) performed at Invitae indicates that this missense variant is not expected to disrupt ATM protein function. ClinVar contains an entry for this variant (Variation ID: 407484). This variant has not been reported in the literature in individuals affected with ATM-related conditions. This variant is not present in population databases (gnomAD no frequency). This sequence change replaces glycine, which is neutral and non-polar, with aspartic acid, which is acidic and polar, at codon 587 of the ATM protein (p.Gly587Asp).